The following is an entry in ClinVar:

NM_004655.4(AXIN2):c.1209G>T (p.Glu403Asp)

Gene: AXIN2 (axin 2; minus strand). Cytogenetic location: 17q24.1.
Variant type: single nucleotide variant.
Coding change: c.1209G>T on transcript NM_004655.4 (MANE Select); coding-DNA position 1209, G replaced by T.
Protein change: p.Glu403Asp; replaces glutamic acid 403 with aspartic acid.
Molecular consequence: missense variant.
Genome position (GRCh38, 1-based): chr17:65,537,827, C>A on the plus strand (G>T on the coding strand, the complement: AXIN2 is on the minus strand). VCF-style: chr17-65537827-C-A. GRCh37 (hg19) VCF-style: chr17-63533945-C-A.
Other names: c.1209G>T (LRG_296t1); c.1209G>T, p.Glu403Asp (NM_001363813.1); short protein forms E403D.
Identifiers: ClinVar variation 408778 (VCV000408778.17), dbSNP rs774657791, ClinGen allele CA8718714.

ClinVar aggregate classification (germline): Uncertain significance. Review status: criteria provided, multiple submitters, no conflicts (2 of 4 stars). 3 submissions from 3 submitters: Uncertain significance (3). Last evaluated 2025-03-30.

Conditions:
Hereditary cancer-predisposing syndrome. Also called: Hereditary Cancer Syndrome; Hereditary neoplastic syndrome; Neoplastic Syndromes, Hereditary; Tumor predisposition. Identifiers: Orphanet 140162, MedGen C0027672, MeSH D009386, MONDO:0015356.
Oligodontia-cancer predisposition syndrome. Also called: TOOTH AGENESIS-COLORECTAL CANCER SYNDROME. Identifiers: Orphanet 300576, MedGen C1837750, MONDO:0012075, OMIM 608615. Disease mechanism: loss of function.

Allele frequency attached by ClinVar (database versions not stated): gnomAD exomes 0.00001; ExAC 0.00003.
gnomAD v4.1: 20 of 1,557,442 alleles (0.0013%); highest among the groups gnomAD compares: Non-Finnish European, 0.0016%; no homozygotes.

Submissions (3):

Labcorp Genetics (formerly Invitae), Labcorp
Classification: Uncertain significance for Oligodontia-cancer predisposition syndrome. Last evaluated: 2025-03-30. Review status: criteria provided, single submitter. Criteria: Invitae Variant Classification Sherloc (09022015). Collection method: clinical testing. Allele origin: germline.
Comment: This sequence change replaces glutamic acid, which is acidic and polar, with aspartic acid, which is acidic and polar, at codon 403 of the AXIN2 protein (p.Glu403Asp). The frequency data for this variant in the population databases is considered unreliable, as metrics indicate poor data quality at this position in the gnomAD database. This variant has not been reported in the literature in individuals affected with AXIN2-related conditions. ClinVar contains an entry for this variant (Variation ID: 408778). Invitae Evidence Modeling of protein sequence and biophysical properties (such as structural, functional, and spatial information, amino acid conservation, physicochemical variation, residue mobility, and thermodynamic stability) indicates that this missense variant is not expected to disrupt AXIN2 protein function with a negative predictive value of 80%. In summary, the available evidence is currently insufficient to determine the role of this variant in disease. Therefore, it has been classified as a Variant of Uncertain Significance.

Ambry Genetics
Classification: Uncertain significance for Hereditary cancer-predisposing syndrome. Last evaluated: 2024-03-29. Review status: criteria provided, single submitter. Criteria: Ambry Variant Classification Scheme 2023. Collection method: clinical testing. Allele origin: germline.
Comment: The p.E403D variant (also known as c.1209G>T), located in coding exon 5 of the AXIN2 gene, results from a G to T substitution at nucleotide position 1209. The glutamic acid at codon 403 is replaced by aspartic acid, an amino acid with highly similar properties. This alteration was reported in 1/1046 familial CRC cases and was not observed in 1006 healthy controls.(Raskin L et al. Oncotarget, 2017 Nov;8:93450-93463). This amino acid position is highly conserved in available vertebrate species. In addition, the in silico prediction for this alteration is inconclusive. Since supporting evidence is limited at this time, the clinical significance of this alteration remains unclear.

GeneDx
Classification: Uncertain significance. Last evaluated: 2021-10-18. Review status: criteria provided, single submitter. Criteria: GeneDx Variant Classification Process June 2021. Collection method: clinical testing. Allele origin: germline. Affected: yes.
Comment: Not observed at significant frequency in large population cohorts (Lek et al., 2016); In silico analysis supports that this missense variant does not alter protein structure/function; Identified in at least one individual with colorectal cancer (Raskin et al., 2017); This variant is associated with the following publications: (PMID: 15735151, 29212164)

Literature cited by the submitters: PubMed 29212164 (cited by Ambry Genetics).